The following is an entry in ClinVar:

NM_013275.6(ANKRD11):c.6694C>A (p.Arg2232Ser)

Gene: ANKRD11 (ankyrin repeat domain 11; minus strand). Cytogenetic location: 16q24.3.
Variant type: single nucleotide variant.
Coding change: c.6694C>A on transcript NM_013275.6 (MANE Select); coding-DNA position 6694, C replaced by A.
Protein change: p.Arg2232Ser; replaces arginine 2232 with serine.
Molecular consequence: missense variant.
Genome position (GRCh38, 1-based): chr16:89,279,848, G>T on the plus strand (C>A on the coding strand, the complement: ANKRD11 is on the minus strand). VCF-style: chr16-89279848-G-T. GRCh37 (hg19) VCF-style: chr16-89346256-G-T.
Other names: c.6694C>A, p.Arg2232Ser (NM_001256182.2, NM_001256183.2); short protein forms R2232S.
Identifiers: ClinVar variation 1029220 (VCV001029220.1), dbSNP rs760007187, ClinGen allele CA397150200.

ClinVar aggregate classification (germline): Uncertain significance (1 of 4 stars; one submission).

Conditions:
KBG syndrome (KBGS). Also called: ANKRD11-Related KBG Syndrome. Identifiers: Orphanet 2332, MedGen C0220687, MONDO:0007846, OMIM 148050.

Submission:

Baylor Genetics
Classification: Uncertain significance for KBG syndrome. Last evaluated: 2020-07-09. Review status: criteria provided, single submitter. Criteria: ACMG Guidelines, 2015. Collection method: clinical testing. Allele origin: unknown. Affected: yes.
Comment: This variant was determined to be of uncertain significance according to ACMG Guidelines, 2015 [PMID:25741868].